The following is an entry in ClinVar:

ClinVar aggregate classification (germline): Likely pathogenic (3 of 4 stars; one submission).

Conditions:
Glanzmann thrombasthenia. Also called: BLEEDING DISORDER, PLATELET-TYPE, 2; THROMBASTHENIA OF GLANZMANN AND NAEGELI; PLATELET GLYCOPROTEIN IIb-IIIa DEFICIENCY; Thrombasthenia; Glanzmann's thrombasthenia. Identifiers: Orphanet 849, MedGen C0040015, MONDO:0100326.

Allele frequency attached by ClinVar (database versions not stated): gnomAD exomes below 0.00001.
gnomAD v4.1: 2 of 1,614,028 alleles (0.00012%); highest among the groups gnomAD compares: Non-Finnish European, 0.00017%; no homozygotes.

Submission:

ClinGen Platelet Disorders Variant Curation Expert Panel, ClinGen
Classification: Likely pathogenic for Glanzmann thrombasthenia. Last evaluated: 2024-09-05. Review status: reviewed by expert panel. Criteria: ClinGen Platelet ACMG Specifications v2-1. Collection method: curation. Allele origin: germline. Inheritance: Autosomal recessive inheritance.
Comment: The p.Asn365Ser missense variant on ITGB3 gene has been previously reported in the context of Glanzmann thrombasthenia. The highest population minor allele frequency in gnomAD v4.1 is 0.000001695 (2/1179950 alleles) in the European non-Finnish population, which is lower than the ClinGen PD VCEP threshold (<0.0001; PM2_Supporting). This variant has been reported to occur in compound heterozygous state with a pathogenic frameshift variant (p.Gln508Serfs*) in one proband (PM3_supporting) who meets the PD-VCEP criteria for the GT phenotype (PMID: 25728920). The patient presented with significant mucocutaneous bleeding. Platelet aggregometry demonstrated absence of platelet aggregation with 3 platelet agonists and normal aggregation with ristocetin. Surface expression of αIIbβ3 was demonstrated to be reduced (<5%) by flowcytometry (PMID: 25728920); PP4_strong). Multiple in silico tools predict this variant to be deleterious (REVEL score = 0.94). This variant meets GT specific criteria for PP4_Strong, PM3_supporting, PP3 and PM2_supporting and is therefore classified as Likely Pathogenic.

NM_000212.3(ITGB3):c.1094A>G (p.Asn365Ser)

Gene: ITGB3 (integrin subunit beta 3; plus strand). Cytogenetic location: 17q21.32.
Variant type: single nucleotide variant.
Coding change: c.1094A>G on transcript NM_000212.3 (MANE Select); coding-DNA position 1094, A replaced by G.
Protein change: p.Asn365Ser; replaces asparagine 365 with serine.
Molecular consequence: missense variant.
Genome position (GRCh38, 1-based): chr17:47,290,243, A>G. VCF-style: chr17-47290243-A-G. GRCh37 (hg19) VCF-style: chr17-45367609-A-G.
Other names: short protein forms N365S.
Identifiers: ClinVar variation 1210186 (VCV001210186.2), dbSNP rs2143107081, ClinGen allele CA400026292.